The following is an entry in ClinVar:

ClinVar aggregate classification (germline): Likely benign. Review status: criteria provided, multiple submitters, no conflicts (2 of 4 stars). 2 submissions from 2 submitters: Likely benign (2). Last evaluated 2026-06-01.

gnomAD v4.1: 32 of 1,613,742 alleles (0.002%); highest among the groups gnomAD compares: South Asian, 0.0066%; no homozygotes.

Submissions (2):

CeGaT Center for Human Genetics Tuebingen
Classification: Likely benign. Last evaluated: 2026-06-01. Review status: criteria provided, single submitter. Criteria: CeGaT Center For Human Genetics Tuebingen Variant Classification Criteria Version 2. Collection method: clinical testing. Allele origin: germline. Affected: yes. Observed: 1 variant allele.
Comment: CDC42BPB: BP4, BP7

Blueprint Genetics
Classification: Likely benign. Last evaluated: 2024-10-18. Review status: criteria provided, single submitter. Criteria: ACMG Guidelines, 2015. Collection method: clinical testing. Allele origin: germline.

NM_006035.4(CDC42BPB):c.2706C>T (p.Asp902=)

Gene: CDC42BPB (CDC42 binding protein kinase beta; minus strand). Cytogenetic location: 14q32.32.
Variant type: single nucleotide variant.
Coding change: c.2706C>T on transcript NM_006035.4 (MANE Select); coding-DNA position 2706, C replaced by T.
Protein change: p.Asp902=; no amino-acid change (aspartic acid 902 retained).
Molecular consequence: synonymous variant.
Genome position (GRCh38, 1-based): chr14:102,964,522, G>A on the plus strand (C>T on the coding strand, the complement: CDC42BPB is on the minus strand). VCF-style: chr14-102964522-G-A. GRCh37 (hg19) VCF-style: chr14-103430859-G-A.
Other names: c.2706C>T, p.Asp902= (NM_001411054.1).
Identifiers: ClinVar variation 4872505 (VCV004872505.3).
Genomic context (GRCh38, chr14:102,964,522, plus strand): 5'-CCACTGCTCCTACCTGGAGTCAGACCCTGGCACCAAGTACCTTTCCAAGGTGAGGTTGGC[G>A]TCCTTGACCTTCCTGAGCTCCTCCTGGACAAGCTGCTTGGCCCGGATCTCCGCCTCCAGG-3'
Protein context (NP_006026.3, residues 892-912): LVQEELRKVK[Asp902=]ANLTLESKLK